The following is an entry in ClinVar:

ClinVar aggregate classification (germline): Uncertain significance (1 of 4 stars; one submission).

Conditions:
Oligosynaptic infertility (SPGF1). Also called: SPERMATOGENIC FAILURE 1; OLIGOCHIASMATIC INFERTILITY. Identifiers: MedGen C0403810, MONDO:0009776, OMIM 258150.
46 XY differences of sex development. Also called: 46, XY disorder of sex development (DSD); 46,XY disorder of sex development. Identifiers: Orphanet 98085, MedGen C2751824, MONDO:0020040.

Submission:

Labcorp Genetics (formerly Invitae), Labcorp
Classification: Uncertain significance for 46 XY differences of sex development; Oligosynaptic infertility. Last evaluated: 2022-10-06. Review status: criteria provided, single submitter. Criteria: Invitae Variant Classification Sherloc (09022015). Collection method: clinical testing. Allele origin: germline.
Comment: In summary, the available evidence is currently insufficient to determine the role of this variant in disease. Therefore, it has been classified as a Variant of Uncertain Significance. Algorithms developed to predict the effect of missense changes on protein structure and function (SIFT, PolyPhen-2, Align-GVGD) all suggest that this variant is likely to be disruptive. This variant has not been reported in the literature in individuals affected with NR5A1-related conditions. This variant is not present in population databases (gnomAD no frequency). This sequence change replaces leucine, which is neutral and non-polar, with proline, which is neutral and non-polar, at codon 402 of the NR5A1 protein (p.Leu402Pro).

NM_004959.5(NR5A1):c.1205T>C (p.Leu402Pro)

Gene: NR5A1 (nuclear receptor subfamily 5 group A member 1; minus strand). Cytogenetic location: 9q33.3.
Variant type: single nucleotide variant.
Coding change: c.1205T>C on transcript NM_004959.5 (MANE Select); coding-DNA position 1205, T replaced by C.
Protein change: p.Leu402Pro; replaces leucine 402 with proline.
Molecular consequence: missense variant.
Genome position (GRCh38, 1-based): chr9:124,482,939, A>G on the plus strand (T>C on the coding strand, the complement: NR5A1 is on the minus strand). VCF-style: chr9-124482939-A-G. GRCh37 (hg19) VCF-style: chr9-127245218-A-G.
Other names: short protein forms L402P.
Identifiers: ClinVar variation 1721075 (VCV001721075.6), dbSNP rs2538665114, ClinGen allele CA374878798.